The following is an entry in ClinVar:

NM_001378454.1(ALMS1):c.1364C>G (p.Ser455Cys)

Gene: ALMS1 (ALMS1 centrosome and basal body associated protein; plus strand). Cytogenetic location: 2p13.1.
Variant type: single nucleotide variant.
Coding change: c.1364C>G on transcript NM_001378454.1 (MANE Select); coding-DNA position 1364, C replaced by G.
Protein change: p.Ser455Cys; replaces serine 455 with cysteine.
Molecular consequence: missense variant.
Genome position (GRCh38, 1-based): chr2:73,432,223, C>G. VCF-style: chr2-73432223-C-G. GRCh37 (hg19) VCF-style: chr2-73659351-C-G.
Other names: c.1367C>G, p.Ser456Cys (NM_015120.4); short protein forms S455C, S456C.
Identifiers: ClinVar variation 1984791 (VCV001984791.4), dbSNP rs1455759774, ClinGen allele CA347262503.
Genomic context (GRCh38, chr2:73,432,223, plus strand): 5'-TTTCATTTTTATTGCCTTCATTTGTTCCACATAAGCCAACAAGAGAGTCGGAATATCACT[C>G]TTCAGATCTCAGAATGTTGAGGATGTCTCCTGACACTGTGCCAAAGGCTCCTAAACATTT-3'
Protein context (NP_001365383.1, residues 445-465): RKPTRESEYH[Ser455Cys]SDLRMLRMSP

ClinVar aggregate classification (germline): Uncertain significance (1 of 4 stars; one submission).

Conditions:
Alstrom syndrome (ALMS). Identifiers: Orphanet 64, MedGen C0268425, MONDO:0008763, OMIM 203800.

Allele frequency attached by ClinVar (database versions not stated): gnomAD exomes below 0.00001; gnomAD 0.00001.
gnomAD v4.1: 3 of 1,613,276 alleles (0.00019%); highest among the groups gnomAD compares: Non-Finnish European, 0.00025%; no homozygotes.

Submission:

Labcorp Genetics (formerly Invitae), Labcorp
Classification: Uncertain significance for Alstrom syndrome. Last evaluated: 2022-05-21. Review status: criteria provided, single submitter. Criteria: Invitae Variant Classification Sherloc (09022015). Collection method: clinical testing. Allele origin: germline.
Comment: This sequence change replaces serine, which is neutral and polar, with cysteine, which is neutral and slightly polar, at codon 456 of the ALMS1 protein (p.Ser456Cys). This variant is present in population databases (no rsID available, gnomAD no frequency). This variant has not been reported in the literature in individuals affected with ALMS1-related conditions. Experimental studies and prediction algorithms are not available or were not evaluated, and the functional significance of this variant is currently unknown. In summary, the available evidence is currently insufficient to determine the role of this variant in disease. Therefore, it has been classified as a Variant of Uncertain Significance.